The following is an entry in ClinVar:

ClinVar aggregate classification (germline): Uncertain significance (1 of 4 stars; one submission).

Submission:

GeneDx
Classification: Uncertain significance. Last evaluated: 2025-07-30. Review status: criteria provided, single submitter. Criteria: GeneDx Variant Classification Process June 2021. Collection method: clinical testing. Allele origin: germline. Affected: yes.
Comment: Not observed at significant frequency in large population cohorts (gnomAD); In silico analysis supports that this missense variant has a deleterious effect on protein structure/function; Has not been previously published as pathogenic or benign to our knowledge

NM_014727.3(KMT2B):c.4876C>T (p.Leu1626Phe)

Gene: KMT2B (lysine methyltransferase 2B; plus strand). Cytogenetic location: 19q13.12.
Variant type: single nucleotide variant.
Coding change: c.4876C>T on transcript NM_014727.3 (MANE Select); coding-DNA position 4876, C replaced by T.
Protein change: p.Leu1626Phe; replaces leucine 1626 with phenylalanine.
Molecular consequence: missense variant.
Genome position (GRCh38, 1-based): chr19:35,729,255, C>T. VCF-style: chr19-35729255-C-T. GRCh37 (hg19) VCF-style: chr19-36220156-C-T.
Other names: short protein forms L1626F.
Identifiers: ClinVar variation 4689818 (VCV004689818.1).